The following is an entry in ClinVar:

ClinVar aggregate classification (germline): Uncertain significance. Review status: criteria provided, multiple submitters, no conflicts (2 of 4 stars). 2 submissions from 2 submitters: Uncertain significance (2). Last evaluated 2025-04-12.

Conditions:
Vitamin B2 deficiency. Identifiers: MedGen C0035528.

Allele frequency attached by ClinVar (database versions not stated): ExAC 0.00006; gnomAD 0.00006 and 0.00007; gnomAD exomes 0.00007 and 0.00011; TOPMed 0.00009.
gnomAD v4.1: 170 of 1,614,082 alleles (0.011%); highest among the groups gnomAD compares: Non-Finnish European, 0.014%; no homozygotes.

Submissions (2):

Ambry Genetics
Classification: Uncertain significance. Last evaluated: 2025-04-12. Review status: criteria provided, single submitter. Criteria: Ambry Variant Classification Scheme 2023. Collection method: clinical testing. Allele origin: germline.

Labcorp Genetics (formerly Invitae), Labcorp
Classification: Uncertain significance for Vitamin B2 deficiency. Last evaluated: 2024-01-22. Review status: criteria provided, single submitter. Criteria: Invitae Variant Classification Sherloc (09022015). Collection method: clinical testing. Allele origin: germline.
Comment: This sequence change replaces glutamic acid, which is acidic and polar, with glutamine, which is neutral and polar, at codon 189 of the SLC52A1 protein (p.Glu189Gln). This variant is present in population databases (rs772552197, gnomAD 0.01%). This variant has not been reported in the literature in individuals affected with SLC52A1-related conditions. ClinVar contains an entry for this variant (Variation ID: 953282). Advanced modeling of protein sequence and biophysical properties (such as structural, functional, and spatial information, amino acid conservation, physicochemical variation, residue mobility, and thermodynamic stability) performed at Invitae indicates that this missense variant is not expected to disrupt SLC52A1 protein function with a negative predictive value of 80%. In summary, the available evidence is currently insufficient to determine the role of this variant in disease. Therefore, it has been classified as a Variant of Uncertain Significance.

NM_017986.4(SLC52A1):c.565G>C (p.Glu189Gln)

Gene: SLC52A1 (solute carrier family 52 member 1; minus strand). Cytogenetic location: 17p13.2.
Variant type: single nucleotide variant.
Coding change: c.565G>C on transcript NM_017986.4 (MANE Select); coding-DNA position 565, G replaced by C.
Protein change: p.Glu189Gln; replaces glutamic acid 189 with glutamine.
Molecular consequence: missense variant.
Genome position (GRCh38, 1-based): chr17:5,033,924, C>G on the plus strand (G>C on the coding strand, the complement: SLC52A1 is on the minus strand). VCF-style: chr17-5033924-C-G. GRCh37 (hg19) VCF-style: chr17-4937219-C-G.
Other names: c.565G>C, p.Glu189Gln (NM_001104577.2); c.565G>C (NM_001104577.1); short protein forms E189Q.
Identifiers: ClinVar variation 953282 (VCV000953282.13), dbSNP rs772552197, ClinGen allele CA8319760.